The following is an entry in ClinVar:

ClinVar aggregate classification (germline): Uncertain significance (1 of 4 stars; one submission).

Submission:

GeneDx
Classification: Uncertain significance. Last evaluated: 2026-04-17. Review status: criteria provided, single submitter. Criteria: GeneDx Variant Classification Process June 2021. Collection method: clinical testing. Allele origin: germline.
Comment: Not observed at significant frequency in large population cohorts (gnomAD); In silico analysis suggests that this missense variant does not alter protein structure/function; Has not been previously published as pathogenic or benign to our knowledge

NM_001291867.2(NHS):c.259G>A (p.Glu87Lys)

Gene: NHS (NHS actin remodeling regulator; plus strand). Cytogenetic location: Xp22.2.
Variant type: single nucleotide variant.
Coding change: c.259G>A on transcript NM_001291867.2 (MANE Select); coding-DNA position 259, G replaced by A.
Protein change: p.Glu87Lys; replaces glutamic acid 87 with lysine.
Molecular consequence: missense variant.
Genome position (GRCh38, 1-based): chrX:17,376,016, G>A. VCF-style: chrX-17376016-G-A. GRCh37 (hg19) VCF-style: chrX-17394139-G-A.
Other names: c.259G>A, p.Glu87Lys (NM_198270.4); short protein forms E87K.
Identifiers: ClinVar variation 5037360 (VCV005037360.1).